The following is an entry in ClinVar:

ClinVar aggregate classification (germline): Uncertain significance (1 of 4 stars; one submission).

Conditions:
3-methylcrotonyl-CoA carboxylase 2 deficiency. Also called: 3 alpha methylcrotonyl-CoA carboxylase 2 deficiency; 3 alpha methylcrotonylglycinuria 2; MCC 2 deficiency; Methylcrotonylglycinuria type 2; METHYLCROTONYLGLYCINURIA, TYPE II. Identifiers: Orphanet 6, MedGen C1859499, MONDO:0008862, OMIM 210210.

Submission:

Labcorp Genetics (formerly Invitae), Labcorp
Classification: Uncertain significance for 3-methylcrotonyl-CoA carboxylase 2 deficiency. Last evaluated: 2022-10-26. Review status: criteria provided, single submitter. Criteria: Invitae Variant Classification Sherloc (09022015). Collection method: clinical testing. Allele origin: germline.
Comment: Advanced modeling of protein sequence and biophysical properties (such as structural, functional, and spatial information, amino acid conservation, physicochemical variation, residue mobility, and thermodynamic stability) performed at Invitae indicates that this missense variant is not expected to disrupt MCCC2 protein function. This variant has not been reported in the literature in individuals affected with MCCC2-related conditions. This variant is not present in population databases (gnomAD no frequency). This sequence change replaces aspartic acid, which is acidic and polar, with alanine, which is neutral and non-polar, at codon 557 of the MCCC2 protein (p.Asp557Ala). In summary, the available evidence is currently insufficient to determine the role of this variant in disease. Therefore, it has been classified as a Variant of Uncertain Significance.

NM_022132.5(MCCC2):c.1670A>C (p.Asp557Ala)

Gene: MCCC2 (methylcrotonyl-CoA carboxylase subunit 2; plus strand). Cytogenetic location: 5q13.2.
Variant type: single nucleotide variant.
Coding change: c.1670A>C on transcript NM_022132.5 (MANE Select); coding-DNA position 1670, A replaced by C.
Protein change: p.Asp557Ala; replaces aspartic acid 557 with alanine.
Molecular consequence: missense variant.
Genome position (GRCh38, 1-based): chr5:71,656,838, A>C. VCF-style: chr5-71656838-A-C. GRCh37 (hg19) VCF-style: chr5-70952665-A-C.
Other names: c.1556A>C, p.Asp519Ala (NM_001363147.1); short protein forms D519A, D557A.
Identifiers: ClinVar variation 1713374 (VCV001713374.3), dbSNP rs2530870828, ClinGen allele CA360004799.